The following is an entry in ClinVar:

ClinVar aggregate classification (germline): Uncertain significance (1 of 4 stars; one submission).

gnomAD v4.1: 1 of 1,611,822 alleles (0.000062%); highest among the groups gnomAD compares: Non-Finnish European, 0.000085%; no homozygotes.

Submission:

Labcorp Genetics (formerly Invitae), Labcorp
Classification: Uncertain significance. Last evaluated: 2025-05-29. Review status: criteria provided, single submitter. Criteria: Invitae Variant Classification Sherloc (09022015). Collection method: clinical testing. Allele origin: germline.
Comment: This sequence change replaces aspartic acid, which is acidic and polar, with tyrosine, which is neutral and polar, at codon 520 of the LRP6 protein (p.Asp520Tyr). This variant is not present in population databases (gnomAD no frequency). This variant has not been reported in the literature in individuals affected with LRP6-related conditions. Invitae Evidence Modeling of protein sequence and biophysical properties (such as structural, functional, and spatial information, amino acid conservation, physicochemical variation, residue mobility, and thermodynamic stability) indicates that this missense variant is expected to disrupt LRP6 protein function with a positive predictive value of 80%. In summary, the available evidence is currently insufficient to determine the role of this variant in disease. Therefore, it has been classified as a Variant of Uncertain Significance.

NM_002336.3(LRP6):c.1558G>T (p.Asp520Tyr)

Gene: LRP6 (LDL receptor related protein 6; minus strand). Cytogenetic location: 12p13.2.
Variant type: single nucleotide variant.
Coding change: c.1558G>T on transcript NM_002336.3 (MANE Select); coding-DNA position 1558, G replaced by T.
Protein change: p.Asp520Tyr; replaces aspartic acid 520 with tyrosine.
Molecular consequence: missense variant. On other transcripts: non-coding transcript variant (1), intron variant (1).
Genome position (GRCh38, 1-based): chr12:12,165,283, C>A on the plus strand (G>T on the coding strand, the complement: LRP6 is on the minus strand). VCF-style: chr12-12165283-C-A. GRCh37 (hg19) VCF-style: chr12-12318217-C-A.
Other names: c.1558G>T, p.Asp520Tyr (NM_001414244.1, NM_001414245.1, NM_001414246.1 and 4 more transcripts); c.1360G>T, p.Asp454Tyr (NM_001414247.1); c.1105G>T, p.Asp369Tyr (NM_001414252.1, NM_001414253.1, NM_001414254.1); c.1546-2864G>T (NM_001414255.1); short protein forms D454Y, D369Y, D520Y.
Identifiers: ClinVar variation 4772422 (VCV004772422.1).
Genomic context (GRCh38, chr12:12,165,283, plus strand): 5'-AAGTAAATCCAAATATGTGAGGAATTTTGTCTTCCACTAGTACTCGTCTCCCAGTGCCAT[C>A]AGTATTCATAACCTTCAGGTTTAAATTCAAAAGAGAAGGGGATGAATTATGCATTTATTC-3'
Protein context (NP_002327.2, residues 510-530): KTDKIEVMNT[Asp520Tyr]GTGRRVLVED